The following is an entry in ClinVar:

NM_144622.3(DCST2):c.1383C>T (p.Tyr461=)

Gene: DCST2 (DC-STAMP domain containing 2; minus strand). Cytogenetic location: 1q21.3.
Variant type: single nucleotide variant.
Coding change: c.1383C>T on transcript NM_144622.3 (MANE Select); coding-DNA position 1383, C replaced by T.
Protein change: p.Tyr461=; no amino-acid change (tyrosine 461 retained).
Molecular consequence: synonymous variant.
Genome position (GRCh38, 1-based): chr1:155,026,675, G>A on the plus strand (C>T on the coding strand, the complement: DCST2 is on the minus strand). VCF-style: chr1-155026675-G-A. GRCh37 (hg19) VCF-style: chr1-154999151-G-A.
Identifiers: ClinVar variation 2639390 (VCV002639390.24), dbSNP rs146130973, ClinGen allele CA1135390.

ClinVar aggregate classification (germline): Likely benign (1 of 4 stars; one submission).

Allele frequency attached by ClinVar (database versions not stated): 1000 Genomes Project 0.00120; 1000 Genomes Project 30x 0.00125; gnomAD 0.00235; TOPMed 0.00238; ESP Exome Variant Server 0.00284; gnomAD exomes 0.00418.
gnomAD v4.1: 6,395 of 1,614,102 alleles (0.4%); highest among the groups gnomAD compares: Non-Finnish European, 0.5%; 21 homozygotes.

Submission:

CeGaT Center for Human Genetics Tuebingen
Classification: Likely benign. Last evaluated: 2022-07-01. Review status: criteria provided, single submitter. Criteria: CeGaT Center For Human Genetics Tuebingen Variant Classification Criteria Version 2. Collection method: clinical testing. Allele origin: germline. Affected: yes. Observed: 2 variant alleles.
Comment: DCST2: BP4, BP7